The following is an entry in ClinVar:

ClinVar aggregate classification (germline): Likely benign (1 of 4 stars; one submission).

Submission:

CeGaT Center for Human Genetics Tuebingen
Classification: Likely benign. Last evaluated: 2024-11-01. Review status: criteria provided, single submitter. Criteria: CeGaT Center For Human Genetics Tuebingen Variant Classification Criteria Version 2. Collection method: clinical testing. Allele origin: germline. Affected: yes. Observed: 1 variant allele.
Comment: TSEN2: PM2:Supporting, BP4, BP7

NM_025265.4(TSEN2):c.654C>T (p.Pro218=)

Gene: TSEN2 (tRNA splicing endonuclease subunit 2; plus strand). Cytogenetic location: 3p25.2.
Variant type: single nucleotide variant.
Coding change: c.654C>T on transcript NM_025265.4 (MANE Select); coding-DNA position 654, C replaced by T.
Protein change: p.Pro218=; no amino-acid change (proline 218 retained).
Molecular consequence: synonymous variant. On other transcripts: non-coding transcript variant (1), intron variant (1).
Genome position (GRCh38, 1-based): chr3:12,503,607, C>T. VCF-style: chr3-12503607-C-T. GRCh37 (hg19) VCF-style: chr3-12545106-C-T.
Other names: c.654C>T, p.Pro218= (NM_001145392.2, NM_001145393.3, NM_001321277.2 and 2 more transcripts); c.517-40C>T (NM_001145394.2).
Identifiers: ClinVar variation 3390160 (VCV003390160.14).
Genomic context (GRCh38, chr3:12,503,607, plus strand): 5'-CTGCCACCCAACAACAGAGAGCTTTGAGAAAAGCGTGCGAGAGGATGCCTCACCTCTGCC[C>T]CATGTCTGTTGCTGCAAACAAGATGCTCTCATCCTCCAGCGTGGCCTTCATCATGAAGAC-3'
Protein context (NP_079541.1, residues 208-228): KSVREDASPL[Pro218=]HVCCCKQDAL